The following is an entry in ClinVar:

NM_001267550.2(TTN):c.22163A>G (p.Asn7388Ser)

Gene: TTN (titin; minus strand). Cytogenetic location: 2q31.2.
Variant type: single nucleotide variant.
Coding change: c.22163A>G on transcript NM_001267550.2 (MANE Select); coding-DNA position 22163, A replaced by G.
Protein change: p.Asn7388Ser; replaces asparagine 7388 with serine.
Molecular consequence: missense variant. On other transcripts: intron variant (3).
Genome position (GRCh38, 1-based): chr2:178,722,736, T>C on the plus strand (A>G on the coding strand, the complement: TTN is on the minus strand). VCF-style: chr2-178722736-T-C. GRCh37 (hg19) VCF-style: chr2-179587463-T-C.
Other names: c.21212A>G, p.Asn7071Ser (NM_001256850.1); c.18431A>G, p.Asn6144Ser (NM_133378.4); c.13282+15346A>G (NM_003319.4); c.13858+15346A>G (NM_133437.4); c.13657+15346A>G (NM_133432.3); short protein forms N6144S, N7071S, N7388S.
Identifiers: ClinVar variation 811200 (VCV000811200.9), dbSNP rs1350328102, ClinGen allele CA349528890.

ClinVar aggregate classification (germline): Uncertain significance. Review status: criteria provided, multiple submitters, no conflicts (2 of 4 stars). 2 submissions from 2 submitters: Uncertain significance (2). Last evaluated 2024-06-12.

Conditions:
Early-onset myopathy with fatal cardiomyopathy (CMYO5). Also called: Salih Myopathy; CONGENITAL MYOPATHY 5 WITH CARDIOMYOPATHY. Identifiers: Orphanet 289377, MedGen C2673677, MONDO:0012714, OMIM 611705. Disease mechanism: loss of function.
Hypertrophic cardiomyopathy 9. Also called: Familial hypertrophic cardiomyopathy 9. Identifiers: MedGen C1861065, MONDO:0013412, OMIM 613765.
Autosomal recessive limb-girdle muscular dystrophy type 2J (LGMDR10). Also called: Limb-girdle muscular dystrophy, type 2J; MUSCULAR DYSTROPHY, LIMB-GIRDLE, AUTOSOMAL RECESSIVE 10. Identifiers: Orphanet 140922, MedGen C1837342, MONDO:0012127, OMIM 608807.
Tibial muscular dystrophy (TMD). Also called: UDD MYOPATHY; Udd Distal Myopathy – Tibial Muscular Dystrophy; Tibial muscular dystrophy, tardive. Identifiers: Orphanet 609, MedGen C1838244, MONDO:0010870, OMIM 600334.
Myopathy, myofibrillar, 9, with early respiratory failure (MFM9). Also called: MYOPATHY, PROXIMAL, WITH EARLY RESPIRATORY MUSCLE INVOLVEMENT; Hereditary myopathy with early respiratory failure; EDSTROM MYOPATHY; Myopathy, distal, with early respiratory failure, autosomal dominant. Identifiers: Orphanet 178464, Orphanet 34521, MedGen C1863599, MONDO:0011362, OMIM 603689.
Dilated cardiomyopathy 1G (CMD1G). Identifiers: Orphanet 154, MedGen C1858763, MONDO:0011400, OMIM 604145.

Allele frequency attached by ClinVar (database versions not stated): gnomAD exomes below 0.00001 and 0.00001; TOPMed 0.00001.
gnomAD v4.1: 20 of 1,613,252 alleles (0.0012%); highest among the groups gnomAD compares: African/African-American, 0.0027%; no homozygotes.

Submissions (2):

Fulgent Genetics
Classification: Uncertain significance for Tibial muscular dystrophy; Myopathy, myofibrillar, 9, with early respiratory failure; Dilated cardiomyopathy 1G; Autosomal recessive limb-girdle muscular dystrophy type 2J; Early-onset myopathy with fatal cardiomyopathy; Hypertrophic cardiomyopathy 9. Last evaluated: 2024-06-12. Review status: criteria provided, single submitter. Criteria: ACMG Guidelines, 2015. Collection method: clinical testing. Allele origin: germline.

ARUP Laboratories, Molecular Genetics and Genomics, ARUP Laboratories
Classification: Uncertain significance. Last evaluated: 2018-11-24. Review status: criteria provided, single submitter. Criteria: ARUP Molecular Germline Variant Investigation Process. Collection method: clinical testing. Allele origin: germline.
Comment: The TTN c.18431A>G; p.Asn6144Ser variant is rare in the general population (<1% allele frequency in the Genome Aggregation Database) and has not been reported in the medical literature in association with dilated cardiomyopathy (DCM) or other TTN-related disease. The clinical relevance of rare missense variants in this gene, which are identified on average once per individual sequenced in affected populations (Herman 2012), is not well understood. Yet, evidence suggests that the vast majority of such missense variants do not contribute to the clinical outcome of DCM (Begay 2015). Thus, the clinical significance of the p.Asn6144Ser variant cannot be determined with certainty. References: Begay RL et al. Role of Titin Missense Variants in Dilated Cardiomyopathy. J Am Heart Assoc. 2015 Nov 13;4(11). Herman DS et al. Truncations of titin causing dilated cardiomyopathy. N Engl J Med. 2012 Feb 16;366(7):619-28.